The following is an entry in ClinVar:

NM_033118.4(MYLK2):c.1148C>T (p.Thr383Ile)

Gene: MYLK2 (myosin light chain kinase 2; plus strand). Cytogenetic location: 20q11.21.
Variant type: single nucleotide variant.
Coding change: c.1148C>T on transcript NM_033118.4 (MANE Select); coding-DNA position 1148, C replaced by T.
Protein change: p.Thr383Ile; replaces threonine 383 with isoleucine.
Molecular consequence: missense variant.
Genome position (GRCh38, 1-based): chr20:31,826,862, C>T. VCF-style: chr20-31826862-C-T. GRCh37 (hg19) VCF-style: chr20-30414665-C-T.
Other names: short protein forms T383I.
Identifiers: ClinVar variation 2746089 (VCV002746089.3), dbSNP rs1383312784, ClinGen allele CA408527211.

ClinVar aggregate classification (germline): Uncertain significance (1 of 4 stars; one submission).

Conditions:
Hypertrophic cardiomyopathy 1 (CMH1). Also called: MYH7-Related Familial Hypertrophic Cardiomyopathy; Familial hypertrophic cardiomyopathy 1. Identifiers: MedGen C3495498, MONDO:0008647, OMIM 192600.

Allele frequency attached by ClinVar (database versions not stated): gnomAD exomes 0.00001.
gnomAD v4.1: 18 of 1,614,084 alleles (0.0011%); highest among the groups gnomAD compares: Non-Finnish European, 0.0015%; no homozygotes.

Submission:

Labcorp Genetics (formerly Invitae), Labcorp
Classification: Uncertain significance for Hypertrophic cardiomyopathy 1. Last evaluated: 2025-11-03. Review status: criteria provided, single submitter. Criteria: Invitae Variant Classification Sherloc (09022015). Collection method: clinical testing. Allele origin: germline.
Comment: This sequence change replaces threonine, which is neutral and polar, with isoleucine, which is neutral and non-polar, at codon 383 of the MYLK2 protein (p.Thr383Ile). This variant is present in population databases (no rsID available, gnomAD 0.002%). This variant has not been reported in the literature in individuals affected with MYLK2-related conditions. ClinVar contains an entry for this variant (Variation ID: 2746089). Invitae Evidence Modeling of protein sequence and biophysical properties (such as structural, functional, and spatial information, amino acid conservation, physicochemical variation, residue mobility, and thermodynamic stability) indicates that this missense variant is not expected to disrupt MYLK2 protein function with a negative predictive value of 80%. In summary, the available evidence is currently insufficient to determine the role of this variant in disease. Therefore, it has been classified as a Variant of Uncertain Significance.